The following is an entry in ClinVar:

NM_001205293.3(CACNA1E):c.5810C>G (p.Ser1937Trp)

Gene: CACNA1E (calcium voltage-gated channel subunit alpha1 E; plus strand). Cytogenetic location: 1q25.3.
Variant type: single nucleotide variant.
Coding change: c.5810C>G on transcript NM_001205293.3 (MANE Select); coding-DNA position 5810, C replaced by G.
Protein change: p.Ser1937Trp; replaces serine 1937 with tryptophan.
Molecular consequence: missense variant.
Genome position (GRCh38, 1-based): chr1:181,790,468, C>G. VCF-style: chr1-181790468-C-G. GRCh37 (hg19) VCF-style: chr1-181759604-C-G.
Other names: c.5810C>G, p.Ser1937Trp (NM_000721.4); c.5753C>G, p.Ser1918Trp (NM_001205294.2); short protein forms S1918W, S1937W.
Identifiers: ClinVar variation 1721118 (VCV001721118.5), dbSNP rs1007685928, ClinGen allele CA343631920.
Genomic context (GRCh38, chr1:181,790,468, plus strand): 5'-GTCCCTCATTACCTCTGGATTTGACATTGCTTTTCAGGAGTGGCCGGAGTGGATACCCTT[C>G]GATGAGTCCACTCTCTCCCCAGGATATATTCCAGTTGGCTTGTATGGACCCCGCCGATGA-3'
Protein context (NP_001192222.1, residues 1927-1947): SGLSGRSGYP[Ser1937Trp]MSPLSPQDIF

ClinVar aggregate classification (germline): Uncertain significance (1 of 4 stars; one submission).

gnomAD v4.1: 1 of 1,611,896 alleles (0.000062%); highest among the groups gnomAD compares: African/African-American, 0.0013%; no homozygotes.

Submission:

Labcorp Genetics (formerly Invitae), Labcorp
Classification: Uncertain significance. Last evaluated: 2026-01-26. Review status: criteria provided, single submitter. Criteria: Invitae Variant Classification Sherloc (09022015). Collection method: clinical testing. Allele origin: germline.
Comment: This sequence change replaces serine, which is neutral and polar, with tryptophan, which is neutral and slightly polar, at codon 1937 of the CACNA1E protein (p.Ser1937Trp). This variant is not present in population databases (gnomAD no frequency). This variant has not been reported in the literature in individuals affected with CACNA1E-related conditions. ClinVar contains an entry for this variant (Variation ID: 1721118). Invitae Evidence Modeling of protein sequence and biophysical properties (such as structural, functional, and spatial information, amino acid conservation, physicochemical variation, residue mobility, and thermodynamic stability) indicates that this missense variant is not expected to disrupt CACNA1E protein function with a negative predictive value of 95%. In summary, the available evidence is currently insufficient to determine the role of this variant in disease. Therefore, it has been classified as a Variant of Uncertain Significance.